The following is an entry in ClinVar:

NM_000051.4(ATM):c.1538A>G (p.Gln513Arg)

Gene: ATM (ATM serine/threonine kinase; plus strand). Cytogenetic location: 11q22.3.
Variant type: single nucleotide variant.
Coding change: c.1538A>G on transcript NM_000051.4 (MANE Select); coding-DNA position 1538, A replaced by G.
Protein change: p.Gln513Arg; replaces glutamine 513 with arginine.
Molecular consequence: missense variant.
Genome position (GRCh38, 1-based): chr11:108,251,003, A>G. VCF-style: chr11-108251003-A-G. GRCh37 (hg19) VCF-style: chr11-108121730-A-G.
Other names: c.1538A>G, p.Gln513Arg (NM_001351834.2); short protein forms Q513R.
Identifiers: ClinVar variation 453375 (VCV000453375.12), dbSNP rs753109010, ClinGen allele CA228391133.

ClinVar aggregate classification (germline): Uncertain significance. Review status: criteria provided, multiple submitters, no conflicts (2 of 4 stars). 3 submissions from 3 submitters: Uncertain significance (3). Last evaluated 2025-12-21.

Conditions:
Hereditary cancer-predisposing syndrome. Also called: Tumor predisposition; Hereditary Cancer Syndrome; Neoplastic Syndromes, Hereditary; Hereditary neoplastic syndrome. Identifiers: Orphanet 140162, MedGen C0027672, MeSH D009386, MONDO:0015356.
Ataxia-telangiectasia syndrome (AT). Also called: Cerebello-oculocutaneous telangiectasia; Immunodeficiency with ataxia telangiectasia; Ataxia-telangiectasia, complementation group D; AT, COMPLEMENTATION GROUP C; Ataxia-telangiectasia, complementation group E; LOUIS-BAR SYNDROME. Identifiers: Orphanet 100, MedGen C0004135, MONDO:0008840, OMIM 208900.

gnomAD v4.1: 1 of 1,614,204 alleles (0.000062%); highest among the groups gnomAD compares: Non-Finnish European, 0.000085%; no homozygotes.

Submissions (3):

Labcorp Genetics (formerly Invitae), Labcorp
Classification: Uncertain significance for Ataxia-telangiectasia syndrome. Last evaluated: 2025-12-21. Review status: criteria provided, single submitter. Criteria: Invitae Variant Classification Sherloc (09022015). Collection method: clinical testing. Allele origin: germline.
Comment: This sequence change replaces glutamine, which is neutral and polar, with arginine, which is basic and polar, at codon 513 of the ATM protein (p.Gln513Arg). This variant is present in population databases (no rsID available, gnomAD 0.0009%). This missense change has been observed in individual(s) with a personal and/or family history of hereditary breast and/or ovarian cancer (PMID: 27067391). ClinVar contains an entry for this variant (Variation ID: 453375). Invitae Evidence Modeling of protein sequence and biophysical properties (such as structural, functional, and spatial information, amino acid conservation, physicochemical variation, residue mobility, and thermodynamic stability) indicates that this missense variant is not expected to disrupt ATM protein function with a negative predictive value of 95%. In summary, the available evidence is currently insufficient to determine the role of this variant in disease. Therefore, it has been classified as a Variant of Uncertain Significance.

Ambry Genetics
Classification: Uncertain significance for Hereditary cancer-predisposing syndrome. Last evaluated: 2024-07-23. Review status: criteria provided, single submitter. Criteria: Ambry Variant Classification Scheme 2023. Collection method: clinical testing. Allele origin: germline.
Comment: The p.Q513R variant (also known as c.1538A>G), located in coding exon 9 of the ATM gene, results from an A to G substitution at nucleotide position 1538. The glutamine at codon 513 is replaced by arginine, an amino acid with highly similar properties. This alteration has been reported in patients referred for hereditary breast and ovarian cancer testing (Mucaki EJ et al. BMC Med Genomics, 2016 Apr;9:19; Matis TS et al. NPJ Breast Cancer, 2021 Aug;7:109). This amino acid position is not well conserved in available vertebrate species. In addition, this alteration is predicted to be tolerated by in silico analysis. Based on the available evidence, the clinical significance of this variant remains unclear.

GeneDx
Classification: Uncertain significance. Last evaluated: 2021-12-15. Review status: criteria provided, single submitter. Criteria: GeneDx Variant Classification Process June 2021. Collection method: clinical testing. Allele origin: germline. Affected: yes.
Comment: Not observed at significant frequency in large population cohorts (Lek 2016); In silico analysis supports that this missense variant does not alter protein structure/function; Identified in patients with suspected hereditary breast and ovarian cancer (Mucaki 2016); This variant is associated with the following publications: (PMID: 27067391)

Literature cited by the submitters: PubMed 27067391 (cited by Labcorp Genetics (formerly Invitae), Labcorp and Ambry Genetics); PubMed 34433815 (cited by Ambry Genetics).